The following is an entry in ClinVar:

NM_018006.5(TRMU):c.488TCC[1] (p.Leu164del)

Gene: TRMU (tRNA mitochondrial 2-thiouridylase; plus strand). Cytogenetic location: 22q13.31.
Variant type: Microsatellite.
Coding change: c.488TCC[1] on transcript NM_018006.5 (MANE Select); one copy of the 3-base unit TCC starting at c.488; the reference has two copies in a row; one copy, 3 bases deleted; also written c.491_493del.
Protein change: p.Leu164del; deletes leucine 164.
Molecular consequence: inframe deletion. On other transcripts: intron variant (2).
Genome position (GRCh38, 1-based): chr22:46,350,303-46,350,305, TCC deleted; deleting any 3 consecutive bases within chr22:46,350,299-46,350,305 gives the same sequence; the position shown is the placement nearest the transcript's 3' end. VCF-style (leftmost placement, unchanged base first): chr22-46350298-ACTC-A. GRCh37 (hg19) VCF-style: chr22-46746195-ACTC-A.
Other names: c.146TCC[1], p.Leu50del (NM_001282782.2); c.488TCC[1], p.Leu164del (NM_001282785.2); c.118-47_118-45del (NM_001282783.2, NM_001282784.2); c.491_493del (NM_018006.5); short protein forms L50del, L164del.
Identifiers: ClinVar variation 5006504 (VCV005006504.2).

ClinVar aggregate classification (germline): Uncertain significance (1 of 4 stars; one submission).

Conditions:
Acute infantile liver failure due to synthesis defect of mtDNA-encoded proteins. Also called: TRMU Deficiency; LIVER FAILURE, INFANTILE, TRANSIENT; Liver failure acute infantile. Identifiers: Orphanet 217371, MedGen C3278664, MONDO:0013111, OMIM 613070.
Aminoglycoside-induced deafness. Also called: DEAFNESS, STREPTOMYCIN-INDUCED; STREPTOMYCIN OTOTOXICITY; MT-RNR1-Related Hearing Loss and Deafness. Identifiers: Orphanet 168609, MedGen C1838854, MONDO:0010799, OMIM 580000.

Submission:

Juno Genomics, Hangzhou Juno Genomics, Inc
Classification: Uncertain significance for Aminoglycoside-induced deafness; Acute infantile liver failure due to synthesis defect of mtDNA-encoded proteins. Review status: criteria provided, single submitter. Criteria: ACMG Guidelines, 2015. Collection method: clinical testing. Allele origin: germline.
Comment: Absent from controls (or at extremely low frequency if recessive) in Genome Aggregation Database.;Protein length changes due to in-frame deletions/insertions in a non-repeat region or stop-loss variants.